The following is an entry in ClinVar:

NM_014875.3(KIF14):c.703T>C (p.Leu235=)

Gene: KIF14 (kinesin family member 14; minus strand). Cytogenetic location: 1q32.1.
Variant type: single nucleotide variant.
Coding change: c.703T>C on transcript NM_014875.3 (MANE Select); coding-DNA position 703, T replaced by C.
Protein change: p.Leu235=; no amino-acid change (leucine 235 retained).
Molecular consequence: synonymous variant. On other transcripts: 5 prime UTR variant (1).
Genome position (GRCh38, 1-based): chr1:200,618,021, A>G on the plus strand (T>C on the coding strand, the complement: KIF14 is on the minus strand). VCF-style: chr1-200618021-A-G. GRCh37 (hg19) VCF-style: chr1-200587149-A-G.
Other names: c.-683T>C (NM_001305792.1).
Identifiers: ClinVar variation 3048620 (VCV003048620.2), dbSNP rs1353777901, ClinGen allele CA422810629.

ClinVar aggregate classification (germline): Likely benign (0 of 4 stars; one submission).

Conditions:
KIF14-related disorder. Also called: KIF14-related condition.

Allele frequency attached by ClinVar (database versions not stated): gnomAD exomes below 0.00001; TOPMed below 0.00001.
gnomAD v4.1: 4 of 1,614,184 alleles (0.00025%); highest among the groups gnomAD compares: Non-Finnish European, 0.00034%; no homozygotes.

Submission:

PreventionGenetics, part of Exact Sciences
Classification: Likely benign for KIF14-related condition. Last evaluated: 2019-12-04. Review status: no assertion criteria provided. Collection method: clinical testing. Allele origin: germline.
Comment: This variant is classified as likely benign based on ACMG/AMP sequence variant interpretation guidelines (Richards et al. 2015 PMID: 25741868, with internal and published modifications).